The following is an entry in ClinVar:

NM_014363.6(SACS):c.4880G>A (p.Cys1627Tyr)

Gene: SACS (sacsin molecular chaperone; minus strand). Cytogenetic location: 13q12.12.
Variant type: single nucleotide variant.
Coding change: c.4880G>A on transcript NM_014363.6 (MANE Select); coding-DNA position 4880, G replaced by A.
Protein change: p.Cys1627Tyr; replaces cysteine 1627 with tyrosine.
Molecular consequence: missense variant.
Genome position (GRCh38, 1-based): chr13:23,338,996, C>T on the plus strand (G>A on the coding strand, the complement: SACS is on the minus strand). VCF-style: chr13-23338996-C-T. GRCh37 (hg19) VCF-style: chr13-23913135-C-T.
Other names: c.4439G>A, p.Cys1480Tyr (NM_001278055.2); short protein forms C1627Y, C1480Y.
Identifiers: ClinVar variation 3571725 (VCV003571725.1).

ClinVar aggregate classification (germline): Uncertain significance (1 of 4 stars; one submission).

gnomAD v4.1: 1 of 1,613,828 alleles (0.000062%); highest among the groups gnomAD compares: South Asian, 0.0011%; no homozygotes.

Submission:

Athena Diagnostics
Classification: Uncertain significance. Last evaluated: 2024-11-05. Review status: criteria provided, single submitter. Criteria: Athena Diagnostics Criteria. Collection method: clinical testing. Allele origin: unknown.
Comment: Available data are insufficient to determine the clinical significance of the variant at this time. This variant has not been reported in large, multi-ethnic general populations. Polyphen and MutationTaster predict this amino acid change may be damaging to the protein.